The following is an entry in ClinVar:

ClinVar aggregate classification (germline): Likely benign (1 of 4 stars; one submission).

Allele frequency attached by ClinVar (database versions not stated): ExAC 0.00099; 1000 Genomes Project 30x 0.00219; 1000 Genomes Project 0.00220; gnomAD 0.00239; TOPMed 0.00280; ESP Exome Variant Server 0.00284.
gnomAD v4.1: 1,028 of 1,613,556 alleles (0.064%); highest among the groups gnomAD compares: African/African-American, 0.85%; 4 homozygotes.

Submission:

CeGaT Center for Human Genetics Tuebingen
Classification: Likely benign. Last evaluated: 2023-03-01. Review status: criteria provided, single submitter. Criteria: CeGaT Center For Human Genetics Tuebingen Variant Classification Criteria Version 2. Collection method: clinical testing. Allele origin: germline. Affected: yes. Observed: 1 variant allele.
Comment: GRPEL1: BP4, BS2

NM_025196.4(GRPEL1):c.349G>A (p.Val117Ile)

Gene: GRPEL1 (GrpE like 1, mitochondrial; minus strand). Cytogenetic location: 4p16.1.
Variant type: single nucleotide variant.
Coding change: c.349G>A on transcript NM_025196.4 (MANE Select); coding-DNA position 349, G replaced by A.
Protein change: p.Val117Ile; replaces valine 117 with isoleucine.
Molecular consequence: missense variant.
Genome position (GRCh38, 1-based): chr4:7,061,167, C>T on the plus strand (G>A on the coding strand, the complement: GRPEL1 is on the minus strand). VCF-style: chr4-7061167-C-T. GRCh37 (hg19) VCF-style: chr4-7062894-C-T.
Other names: short protein forms V117I.
Identifiers: ClinVar variation 2654632 (VCV002654632.24), dbSNP rs146608974, ClinGen allele CA2844261.